The following is an entry in ClinVar:

NM_000135.4(FANCA):c.325G>T (p.Val109Leu)

Gene: FANCA (FA complementation group A; minus strand). Cytogenetic location: 16q24.3.
Variant type: single nucleotide variant.
Coding change: c.325G>T on transcript NM_000135.4 (MANE Select); coding-DNA position 325, G replaced by T.
Protein change: p.Val109Leu; replaces valine 109 with leucine.
Molecular consequence: missense variant.
Genome position (GRCh38, 1-based): chr16:89,811,030, C>A on the plus strand (G>T on the coding strand, the complement: FANCA is on the minus strand). VCF-style: chr16-89811030-C-A. GRCh37 (hg19) VCF-style: chr16-89877438-C-A.
Other names: c.325G>T, p.Val109Leu (NM_001018112.3, NM_001286167.3, NM_001351830.2); short protein forms V109L.
Identifiers: ClinVar variation 4022295 (VCV004022295.1).
Genomic context (GRCh38, chr16:89,811,030, plus strand): 5'-CTGGAGCCGTGCAGATCTGTCCCACGCTAGAGGCAACCATCCCGGCTGAGAGAATACCCA[C>A]GGGAACCCCCAGCCTTGAGGCTTGATCCTGCAAAGCAGAGCCTTAAACACAAAACAAAAC-3'
Protein context (NP_000126.2, residues 99-119): QDQASRLGVP[Val109Leu]GILSAGMVAS

ClinVar aggregate classification (germline): Uncertain significance (1 of 4 stars; one submission).

Conditions:
Inborn genetic diseases. Identifiers: MedGen C0950123, MeSH D030342.

Submission:

Ambry Genetics
Classification: Uncertain significance for Inborn genetic diseases. Last evaluated: 2025-05-21. Review status: criteria provided, single submitter. Criteria: Ambry Variant Classification Scheme 2023. Collection method: clinical testing. Allele origin: germline.
Comment: The p.V109L variant (also known as c.325G>T), located in coding exon 4 of the FANCA gene, results from a G to T substitution at nucleotide position 325. The valine at codon 109 is replaced by leucine, an amino acid with highly similar properties. This amino acid position is conserved. In addition, this alteration is predicted to be tolerated by in silico analysis. Based on the available evidence, the clinical significance of this variant remains unclear.